The following is an entry in ClinVar:

NM_001130823.3(DNMT1):c.1021C>T (p.Arg341Cys)

Gene: DNMT1 (DNA methyltransferase 1; minus strand). Cytogenetic location: 19p13.2.
Variant type: single nucleotide variant.
Coding change: c.1021C>T on transcript NM_001130823.3 (MANE Select); coding-DNA position 1021, C replaced by T.
Protein change: p.Arg341Cys; replaces arginine 341 with cysteine.
Molecular consequence: missense variant.
Genome position (GRCh38, 1-based): chr19:10,160,406, G>A on the plus strand (C>T on the coding strand, the complement: DNMT1 is on the minus strand). VCF-style: chr19-10160406-G-A. GRCh37 (hg19) VCF-style: chr19-10271082-G-A.
Other names: p.Arg341Cys; c.973C>T, p.Arg325Cys (NM_001318730.2, NM_001379.4); c.658C>T, p.Arg220Cys (NM_001318731.2); short protein forms R220C, R325C, R341C.
Identifiers: ClinVar variation 3380576 (VCV003380576.1).

ClinVar aggregate classification (germline): Uncertain significance (1 of 4 stars; one submission).

gnomAD v4.1: 14 of 1,613,992 alleles (0.00087%); highest among the groups gnomAD compares: Admixed American, 0.0033%; no homozygotes.

Submission:

Mayo Clinic Laboratories, Mayo Clinic
Classification: Uncertain significance. Last evaluated: 2023-12-20. Review status: criteria provided, single submitter. Criteria: ACMG Guidelines, 2015. Collection method: clinical testing. Allele origin: germline. Observed: 1 variant allele.
Comment: BP4